The following is an entry in ClinVar:

ClinVar aggregate classification (germline): Pathogenic (1 of 4 stars; one submission).

Conditions:
Atelosteogenesis type II (AO2). Also called: SLC26A2-Related Atelosteogenesis; NEONATAL OSSEOUS DYSPLASIA I; Neonatal osseous dysplasia 1. Identifiers: Orphanet 56304, MedGen C1850554, MONDO:0009727, OMIM 256050.
Diastrophic dysplasia (DTD). Also called: Diastrophic dwarfism. Identifiers: Orphanet 628, MedGen C0220726, MONDO:0009107, OMIM 222600.
Multiple epiphyseal dysplasia type 4 (EDM4). Also called: Multiple Epiphyseal Dysplasia, Recessive; MULTIPLE EPIPHYSEAL DYSPLASIA WITH BILAYERED PATELLAE; MULTIPLE EPIPHYSEAL DYSPLASIA WITH CLUBFOOT; MULTIPLE EPIPHYSEAL DYSPLASIA, AUTOSOMAL RECESSIVE; SLC26A2-Related Multiple Epiphyseal Dysplasia. Identifiers: Orphanet 93307, MedGen C1847593, MONDO:0009189, OMIM 226900.
Achondrogenesis, type IB (ACG1B). Also called: Achondrogenesis Type 1B. Identifiers: Orphanet 932, Orphanet 93298, MedGen C0265274, MONDO:0010966, OMIM 600972.

Submission:

Labcorp Genetics (formerly Invitae), Labcorp
Classification: Pathogenic for Atelosteogenesis type II; Multiple epiphyseal dysplasia type 4; Achondrogenesis, type IB; Diastrophic dysplasia. Last evaluated: 2023-08-05. Review status: criteria provided, single submitter. Criteria: Invitae Variant Classification Sherloc (09022015). Collection method: clinical testing. Allele origin: germline.
Comment: This sequence change creates a premature translational stop signal (p.Asp103Glufs*4) in the SLC26A2 gene. It is expected to result in an absent or disrupted protein product. Loss-of-function variants in SLC26A2 are known to be pathogenic (PMID: 7923357, 10482955, 11241838). This variant is not present in population databases (gnomAD no frequency). This variant has not been reported in the literature in individuals affected with SLC26A2-related conditions. For these reasons, this variant has been classified as Pathogenic.

Literature cited by the submitters: PubMed 7923357; PubMed 10482955; PubMed 11241838.

NM_000112.4(SLC26A2):c.309_327del (p.Asp103fs)

Gene: SLC26A2 (solute carrier family 26 member 2; plus strand). Cytogenetic location: 5q32.
Variant type: Deletion.
Coding change: c.309_327del on transcript NM_000112.4 (MANE Select); coding-DNA positions 309 to 327, 19 bases deleted (CCTAAAGAAAAACATTTTA).
Protein change: p.Asp103fs; shifts the reading frame from aspartic acid 103.
Molecular consequence: frameshift variant.
Genome position (GRCh38, 1-based): chr5:149,977,961-149,977,979, CCTAAAGAAAAACATTTTA deleted; deleting any 19 consecutive bases within chr5:149,977,960-149,977,979 gives the same sequence; the c. name uses the placement nearest the transcript's 3' end. VCF-style (leftmost placement, unchanged base first): chr5-149977959-GACCTAAAGAAAAACATTTT-G. GRCh37 (hg19) VCF-style: chr5-149357522-GACCTAAAGAAAAACATTTT-G.
Other names: short protein forms D103fs.
Identifiers: ClinVar variation 2950713 (VCV002950713.3), dbSNP rs2480770768, ClinGen allele CA2740094131.
Genomic context (GRCh38, chr5:149,977,959, plus strand): 5'-GCCAAAGCCAAAAATATGATTTTAGGTTTCCTTCCTGTTTTGCAGTGGCTCCCAAAATAC[GACCTAAAGAAAAACATTTT>G]AGGGGATGTGATGTCAGGCTTGATTGTGGGCATATTATTGGTGCCCCAGTCCATTGCTTA-3'